The following is an entry in ClinVar:

ClinVar aggregate classification (germline): Likely benign. Review status: criteria provided, multiple submitters, no conflicts (2 of 4 stars). 2 submissions from 2 submitters: Likely benign (2). Last evaluated 2018-06-16.

Allele frequency attached by ClinVar (database versions not stated): gnomAD exomes 0.00083; 1000 Genomes Project 30x 0.00515; 1000 Genomes Project 0.00559; gnomAD 0.00574; TOPMed 0.00716.
gnomAD v4.1: 1,925 of 1,245,630 alleles (0.15%); highest among the groups gnomAD compares: African/African-American, 2.2%; 19 homozygotes.

Submissions (2):

GeneDx
Classification: Likely benign. Last evaluated: 2018-06-16. Review status: criteria provided, single submitter. Criteria: GeneDx Variant Classification (06012015). Collection method: clinical testing. Allele origin: germline. Affected: yes.
Comment: This variant is considered likely benign or benign based on one or more of the following criteria: it is a conservative change, it occurs at a poorly conserved position in the protein, it is predicted to be benign by multiple in silico algorithms, and/or has population frequency not consistent with disease.

Breakthrough Genomics
Classification: Likely benign. Review status: criteria provided, single submitter. Criteria: ACMG Guidelines, 2015. Collection method: not provided. Allele origin: germline. Inheritance: Autosomal dominant inheritance. Affected: yes.

NM_000393.5(COL5A2):c.2229+59G>A

Gene: COL5A2 (collagen type V alpha 2 chain; minus strand). Cytogenetic location: 2q32.2.
Variant type: single nucleotide variant.
Coding change: c.2229+59G>A on transcript NM_000393.5 (MANE Select); 59 bases into the intron after coding-DNA position 2229, G replaced by A.
Molecular consequence: intron variant.
Genome position (GRCh38, 1-based): chr2:189,058,370, C>T on the plus strand (G>A on the coding strand, the complement: COL5A2 is on the minus strand). VCF-style: chr2-189058370-C-T. GRCh37 (hg19) VCF-style: chr2-189923096-C-T.
Identifiers: ClinVar variation 675796 (VCV000675796.2), dbSNP rs143651488, ClinGen allele CA62599896.
Genomic context (GRCh38, chr2:189,058,370, plus strand): 5'-AAAATGATATAATCAAATTATCTTTCAAAAACAAGACAAATGCATTCTCACACCATCATG[C>T]GTTTATTAAGCAGTAATTTTAAAGCATTTTAAAACACTGAGATCACTATGACACTTACTT-3'